The following is an entry in ClinVar:

NM_000435.3(NOTCH3):c.6210G>A (p.Ala2070=)

Gene: NOTCH3 (notch receptor 3; minus strand). Cytogenetic location: 19p13.12.
Variant type: single nucleotide variant.
Coding change: c.6210G>A on transcript NM_000435.3 (MANE Select); coding-DNA position 6210, G replaced by A.
Protein change: p.Ala2070=; no amino-acid change (alanine 2070 retained).
Molecular consequence: synonymous variant.
Genome position (GRCh38, 1-based): chr19:15,161,418, C>T on the plus strand (G>A on the coding strand, the complement: NOTCH3 is on the minus strand). VCF-style: chr19-15161418-C-T. GRCh37 (hg19) VCF-style: chr19-15272229-C-T.
Identifiers: ClinVar variation 1593115 (VCV001593115.10), dbSNP rs899099426, ClinGen allele CA305758522.

ClinVar aggregate classification (germline): Likely benign. Review status: criteria provided, multiple submitters, no conflicts (2 of 4 stars). 2 submissions from 2 submitters: Likely benign (2). Last evaluated 2026-04-01.

Allele frequency attached by ClinVar (database versions not stated): gnomAD 0.00001; gnomAD exomes 0.00001; TOPMed 0.00002; 1000 Genomes Project 30x 0.00016.
gnomAD v4.1: 6 of 1,530,068 alleles (0.00039%); highest among the groups gnomAD compares: African/African-American, 0.0028%; no homozygotes.

Submissions (2):

CeGaT Center for Human Genetics Tuebingen
Classification: Likely benign. Last evaluated: 2026-04-01. Review status: criteria provided, single submitter. Criteria: CeGaT Center For Human Genetics Tuebingen Variant Classification Criteria Version 2. Collection method: clinical testing. Allele origin: germline. Affected: yes. Observed: 1 variant allele.
Comment: NOTCH3: BP4, BP7

Labcorp Genetics (formerly Invitae), Labcorp
Classification: Likely benign. Last evaluated: 2024-12-04. Review status: criteria provided, single submitter. Criteria: Invitae Variant Classification Sherloc (09022015). Collection method: clinical testing. Allele origin: germline.